The following is an entry in ClinVar:

ClinVar aggregate classification (germline): Uncertain significance. Review status: criteria provided, multiple submitters, no conflicts (2 of 4 stars). 2 submissions from 2 submitters: Uncertain significance (2). Last evaluated 2024-10-07.

Conditions:
Hereditary cancer-predisposing syndrome. Also called: Tumor predisposition; Hereditary Cancer Syndrome; Neoplastic Syndromes, Hereditary; Hereditary neoplastic syndrome. Identifiers: Orphanet 140162, MedGen C0027672, MeSH D009386, MONDO:0015356.
Neuroblastoma, susceptibility to, 3. Also called: ALK-Related Neuroblastic Tumor Susceptibility. Identifiers: Orphanet 635, MedGen C2751681, MONDO:0013083, OMIM 613014.

Allele frequency attached by ClinVar (database versions not stated): gnomAD 0.00001; TOPMed 0.00001.

Submissions (2):

Labcorp Genetics (formerly Invitae), Labcorp
Classification: Uncertain significance for Neuroblastoma, susceptibility to, 3. Last evaluated: 2024-10-07. Review status: criteria provided, single submitter. Criteria: Invitae Variant Classification Sherloc (09022015). Collection method: clinical testing. Allele origin: germline.
Comment: This sequence change replaces histidine, which is basic and polar, with tyrosine, which is neutral and polar, at codon 224 of the ALK protein (p.His224Tyr). This variant is not present in population databases (gnomAD no frequency). This variant has not been reported in the literature in individuals affected with ALK-related conditions. ClinVar contains an entry for this variant (Variation ID: 1016731). An algorithm developed to predict the effect of missense changes on protein structure and function (PolyPhen-2) suggests that this variant is likely to be tolerated. In summary, the available evidence is currently insufficient to determine the role of this variant in disease. Therefore, it has been classified as a Variant of Uncertain Significance.

Ambry Genetics
Classification: Uncertain significance for Hereditary cancer-predisposing syndrome. Last evaluated: 2023-06-03. Review status: criteria provided, single submitter. Criteria: Ambry Variant Classification Scheme 2023. Collection method: clinical testing. Allele origin: germline.
Comment: The p.H224Y variant (also known as c.670C>T), located in coding exon 2 of the ALK gene, results from a C to T substitution at nucleotide position 670. The histidine at codon 224 is replaced by tyrosine, an amino acid with similar properties. This amino acid position is conserved. In addition, this alteration is predicted to be tolerated by in silico analysis. Since supporting evidence is limited at this time, the clinical significance of this alteration remains unclear.

NM_004304.5(ALK):c.670C>T (p.His224Tyr)

Gene: ALK (ALK receptor tyrosine kinase; minus strand). Cytogenetic location: 2p23.2.
Variant type: single nucleotide variant.
Coding change: c.670C>T on transcript NM_004304.5 (MANE Select); coding-DNA position 670, C replaced by T.
Protein change: p.His224Tyr; replaces histidine 224 with tyrosine.
Molecular consequence: missense variant.
Genome position (GRCh38, 1-based): chr2:29,717,695, G>A on the plus strand (C>T on the coding strand, the complement: ALK is on the minus strand). VCF-style: chr2-29717695-G-A. GRCh37 (hg19) VCF-style: chr2-29940561-G-A.
Other names: c.670C>T (NM_004304.4); short protein forms H224Y.
Identifiers: ClinVar variation 1016731 (VCV001016731.8), dbSNP rs1407129567, ClinGen allele CA346587855.